The following is an entry in ClinVar:

NM_001191061.2(SLC25A22):c.15G>A (p.Gln5=)

Gene: SLC25A22 (solute carrier family 25 member 22; minus strand). Cytogenetic location: 11p15.5.
Variant type: single nucleotide variant.
Coding change: c.15G>A on transcript NM_001191061.2 (MANE Select); coding-DNA position 15, G replaced by A.
Protein change: p.Gln5=; no amino-acid change (glutamine 5 retained).
Molecular consequence: synonymous variant.
Genome position (GRCh38, 1-based): chr11:794,992, C>T on the plus strand (G>A on the coding strand, the complement: SLC25A22 is on the minus strand). VCF-style: chr11-794992-C-T. GRCh37 (hg19) VCF-style: chr11-794992-C-T.
Other names: c.15G>A, p.Gln5= (NM_001191060.2, NM_024698.6).
Identifiers: ClinVar variation 392447 (VCV000392447.11), dbSNP rs370880055, ClinGen allele CA5789427.

ClinVar aggregate classification (germline): Likely benign. Review status: criteria provided, multiple submitters, no conflicts (2 of 4 stars). 2 submissions from 2 submitters: Likely benign (2). Last evaluated 2025-11-20.

Conditions:
Early-infantile DEE. Also called: Early infantile epileptic encephalopathy with suppression bursts; Ohtahara syndrome; Early infantile epileptic encephalopathy. Identifiers: Orphanet 1934, MedGen C0393706, MONDO:0800491.

Allele frequency attached by ClinVar (database versions not stated): ExAC below 0.00001; gnomAD exomes 0.00001; TOPMed 0.00002; gnomAD 0.00003; ESP Exome Variant Server 0.00008.
gnomAD v4.1: 12 of 1,558,720 alleles (0.00077%); highest among the groups gnomAD compares: African/African-American, 0.012%; no homozygotes.

Submissions (2):

Labcorp Genetics (formerly Invitae), Labcorp
Classification: Likely benign for Early-infantile DEE. Last evaluated: 2025-11-20. Review status: criteria provided, single submitter. Criteria: Invitae Variant Classification Sherloc (09022015). Collection method: clinical testing. Allele origin: germline.

GeneDx
Classification: Likely benign. Last evaluated: 2017-01-06. Review status: criteria provided, single submitter. Criteria: GeneDx Variant Classification (06012015). Collection method: clinical testing. Allele origin: germline. Affected: yes.
Comment: This variant is considered likely benign or benign based on one or more of the following criteria: it is a conservative change, it occurs at a poorly conserved position in the protein, it is predicted to be benign by multiple in silico algorithms, and/or has population frequency not consistent with disease.